The following is an entry in ClinVar:

ClinVar aggregate classification (germline): Likely benign. Review status: criteria provided, multiple submitters, no conflicts (2 of 4 stars). 3 submissions from 3 submitters: Likely benign (3). Last evaluated 2025-05-21.

Conditions:
Inborn genetic diseases. Identifiers: MedGen C0950123, MeSH D030342.
RAI1-related disorder. Also called: RAI1-related condition.

Allele frequency attached by ClinVar (database versions not stated): gnomAD exomes below 0.00001; ExAC 0.00001; gnomAD 0.00001.
gnomAD v4.1: 2 of 1,612,152 alleles (0.00012%); highest among the groups gnomAD compares: South Asian, 0.0011%; no homozygotes.

Submissions (3):

PreventionGenetics, part of Exact Sciences
Classification: Likely benign for RAI1-related condition. Last evaluated: 2025-05-21. Review status: criteria provided, single submitter. Criteria: ACMG Guidelines, 2015. Collection method: clinical testing. Allele origin: germline.
Comment: This variant is classified as likely benign based on ACMG/AMP sequence variant interpretation guidelines (Richards et al. 2015 PMID: 25741868, with internal and published modifications).

Labcorp Genetics (formerly Invitae), Labcorp
Classification: Likely benign. Last evaluated: 2021-07-19. Review status: criteria provided, single submitter. Criteria: Invitae Variant Classification Sherloc (09022015). Collection method: clinical testing. Allele origin: germline.

Ambry Genetics
Classification: Likely benign for Inborn genetic diseases. Last evaluated: 2017-04-11. Review status: criteria provided, single submitter. Criteria: Ambry Variant Classification Scheme 2023. Collection method: clinical testing. Allele origin: germline.

NM_030665.4(RAI1):c.4404T>C (p.Tyr1468=)

Gene: RAI1 (retinoic acid induced 1; plus strand). Cytogenetic location: 17p11.2.
Variant type: single nucleotide variant.
Coding change: c.4404T>C on transcript NM_030665.4 (MANE Select); coding-DNA position 4404, T replaced by C.
Protein change: p.Tyr1468=; no amino-acid change (tyrosine 1468 retained).
Molecular consequence: synonymous variant.
Genome position (GRCh38, 1-based): chr17:17,797,352, T>C. VCF-style: chr17-17797352-T-C. GRCh37 (hg19) VCF-style: chr17-17700666-T-C.
Identifiers: ClinVar variation 588869 (VCV000588869.14), dbSNP rs771102459, ClinGen allele CA8418955.